The following is an entry in ClinVar:

NM_020831.6(MRTFA):c.2797G>A (p.Gly933Arg)

Gene: MRTFA (myocardin related transcription factor A; minus strand). Cytogenetic location: 22q13.1.
Variant type: single nucleotide variant.
Coding change: c.2797G>A on transcript NM_020831.6 (MANE Select); coding-DNA position 2797, G replaced by A.
Protein change: p.Gly933Arg; replaces glycine 933 with arginine.
Molecular consequence: missense variant. On other transcripts: 3 prime UTR variant (1).
Genome position (GRCh38, 1-based): chr22:40,411,689, C>T on the plus strand (G>A on the coding strand, the complement: MRTFA is on the minus strand). VCF-style: chr22-40411689-C-T. GRCh37 (hg19) VCF-style: chr22-40807693-C-T.
Other names: c.2497G>A, p.Gly833Arg (NM_001282660.2); c.2647G>A, p.Gly883Arg (NM_001282661.3); c.*110G>A (NM_001282662.3); c.2602G>A, p.Gly868Arg (NM_001318139.2); short protein forms G833R, G868R, G883R, G933R.
Identifiers: ClinVar variation 3612647 (VCV003612647.2).
Genomic context (GRCh38, chr22:40,411,689, plus strand): 5'-TGGCAGTGCTGCTCAGCATCTGGCTATGGAGGTCGTCAATGAGGGAAAGGGGCTCTGGCC[C>T]GTCATGCCCACTGGTCAGCAGGGGCAGCCCCGTGCTGCTCTCCAGGAAGTCCTCCAGGCG-3'
Protein context (NP_065882.2, residues 923-943): GLPLLTSGHD[Gly933Arg]PEPLSLIDDL

ClinVar aggregate classification (germline): Uncertain significance (1 of 4 stars; one submission).

gnomAD v4.1: 16 of 1,598,944 alleles (0.001%); highest among the groups gnomAD compares: East Asian, 0.0022%; no homozygotes.

Submission:

Labcorp Genetics (formerly Invitae), Labcorp
Classification: Uncertain significance. Last evaluated: 2025-07-23. Review status: criteria provided, single submitter. Criteria: Invitae Variant Classification Sherloc (09022015). Collection method: clinical testing. Allele origin: germline.
Comment: This sequence change replaces glycine, which is neutral and non-polar, with arginine, which is basic and polar, at codon 833 of the MKL1 protein (p.Gly833Arg). This variant is present in population databases (rs557098062, gnomAD no frequency). This variant has not been reported in the literature in individuals affected with MKL1-related conditions. ClinVar contains an entry for this variant (Variation ID: 3612647). An algorithm developed to predict the effect of missense changes on protein structure and function (PolyPhen-2) suggests that this variant is likely to be disruptive. In summary, the available evidence is currently insufficient to determine the role of this variant in disease. Therefore, it has been classified as a Variant of Uncertain Significance.